The following is an entry in ClinVar:

NM_002103.5(GYS1):c.762C>T (p.Val254=)

Gene: GYS1 (glycogen synthase 1; minus strand). Cytogenetic location: 19q13.33.
Variant type: single nucleotide variant.
Coding change: c.762C>T on transcript NM_002103.5 (MANE Select); coding-DNA position 762, C replaced by T.
Protein change: p.Val254=; no amino-acid change (valine 254 retained).
Molecular consequence: synonymous variant. On other transcripts: non-coding transcript variant (1).
Genome position (GRCh38, 1-based): chr19:48,985,522, G>A on the plus strand (C>T on the coding strand, the complement: GYS1 is on the minus strand). VCF-style: chr19-48985522-G-A. GRCh37 (hg19) VCF-style: chr19-49488779-G-A.
Other names: c.570C>T, p.Val190= (NM_001161587.2).
Identifiers: ClinVar variation 4975393 (VCV004975393.1).

ClinVar aggregate classification (germline): Uncertain significance (1 of 4 stars; one submission).

Submission:

GeneDx
Classification: Uncertain significance. Last evaluated: 2026-02-02. Review status: criteria provided, single submitter. Criteria: GeneDx Variant Classification Process June 2021. Collection method: clinical testing. Allele origin: germline.
Comment: Not observed at significant frequency in large population cohorts (gnomAD); In silico analysis suggests that this variant does not alter splicing; Has not been previously published as pathogenic or benign to our knowledge